The following is an entry in ClinVar:

NM_206933.4(USH2A):c.10586-2A>G

Gene: USH2A (usherin; minus strand). Cytogenetic location: 1q41.
Variant type: single nucleotide variant.
Coding change: c.10586-2A>G on transcript NM_206933.4 (MANE Select); the canonical splice acceptor site of the intron before coding-DNA position 10586, A replaced by G.
Molecular consequence: splice acceptor variant.
Genome position (GRCh38, 1-based): chr1:215,782,198, T>C on the plus strand (A>G on the coding strand, the complement: USH2A is on the minus strand). VCF-style: chr1-215782198-T-C. GRCh37 (hg19) VCF-style: chr1-215955540-T-C.
Identifiers: ClinVar variation 550947 (VCV000550947.13), dbSNP rs370327669, ClinGen allele CA1393974.

ClinVar aggregate classification (germline): Pathogenic/Likely pathogenic. Review status: criteria provided, multiple submitters, no conflicts (2 of 4 stars). 6 submissions from 5 submitters: Pathogenic (2); Likely pathogenic (3). 1 of the submissions does not count toward it. Last evaluated 2023-04-11.

Conditions:
Retinal dystrophy. Also called: Inherited retinal dystrophy. Identifiers: Orphanet 71862, MedGen C0854723, MeSH D058499, MONDO:0019118, HP:0000556.
Retinitis pigmentosa 39 (RP39). Identifiers: Orphanet 791, MedGen C3151138, MONDO:0013436, OMIM 613809.
Usher syndrome type 2A. Also called: RETINAL DISEASE IN USHER SYNDROME TYPE IIA, MODIFIER OF; USHER SYNDROME, TYPE IIA. Identifiers: Orphanet 231178, Orphanet 886, MedGen C1848634, MONDO:0010169, OMIM 276901.

Allele frequency attached by ClinVar (database versions not stated): gnomAD exomes below 0.00001; TOPMed below 0.00001; ExAC 0.00001; gnomAD 0.00001; ESP Exome Variant Server 0.00008.
gnomAD v4.1: 2 of 1,613,536 alleles (0.00012%); highest among the groups gnomAD compares: African/African-American, 0.0013%; no homozygotes.

Submissions (6):

Genome-Nilou Lab
Classification: Likely pathogenic for Retinitis pigmentosa 39. Last evaluated: 2023-04-11. Review status: criteria provided, single submitter. Criteria: ACMG Guidelines, 2015. Collection method: clinical testing. Allele origin: germline. Affected: no.

Genome-Nilou Lab
Classification: Likely pathogenic for Usher syndrome type 2A. Last evaluated: 2023-04-11. Review status: criteria provided, single submitter. Criteria: ACMG Guidelines, 2015. Collection method: clinical testing. Allele origin: germline. Affected: no.

Labcorp Genetics (formerly Invitae), Labcorp
Classification: Pathogenic. Last evaluated: 2022-10-04. Review status: criteria provided, single submitter. Criteria: Invitae Variant Classification Sherloc (09022015). Collection method: clinical testing. Allele origin: germline.
Comment: This sequence change affects an acceptor splice site in intron 53 of the USH2A gene. It is expected to disrupt RNA splicing. Variants that disrupt the donor or acceptor splice site typically lead to a loss of protein function (PMID: 16199547), and loss-of-function variants in USH2A are known to be pathogenic (PMID: 10729113, 10909849, 20507924, 25649381). This variant is present in population databases (rs370327669, gnomAD 0.0009%). Disruption of this splice site has been observed in individual(s) with Usher syndrome (PMID: 21569298). In at least one individual the data is consistent with being in trans (on the opposite chromosome) from a pathogenic variant. ClinVar contains an entry for this variant (Variation ID: 550947). Algorithms developed to predict the effect of sequence changes on RNA splicing suggest that this variant may disrupt the consensus splice site. For these reasons, this variant has been classified as Pathogenic.

Baylor Genetics
Classification: Likely pathogenic for Retinitis pigmentosa 39. Last evaluated: 2022-03-30. Review status: criteria provided, single submitter. Criteria: ACMG Guidelines, 2015. Collection method: clinical testing. Allele origin: unknown.

Institute of Human Genetics, Univ. Regensburg, Univ. Regensburg
Classification: Pathogenic for Retinal dystrophy. Last evaluated: 2017-01-01. Review status: criteria provided, single submitter. Criteria: ACMG Guidelines, 2015. Collection method: clinical testing. Allele origin: germline. Affected: yes.

Counsyl
Classification: Likely pathogenic for Usher syndrome type 2A; Retinitis pigmentosa 39. Last evaluated: 2017-03-22. Review status: no assertion criteria provided. Collection method: clinical testing. Allele origin: unknown. Not counted in ClinVar's aggregate classification.

Literature cited by the submitters: PubMed 16199547 (cited by Labcorp Genetics (formerly Invitae), Labcorp); PubMed 10729113 (cited by Labcorp Genetics (formerly Invitae), Labcorp); PubMed 10909849 (cited by Labcorp Genetics (formerly Invitae), Labcorp); PubMed 20507924 (cited by Labcorp Genetics (formerly Invitae), Labcorp); PubMed 25649381 (cited by Labcorp Genetics (formerly Invitae), Labcorp); PubMed 21569298 (cited by Labcorp Genetics (formerly Invitae), Labcorp); PubMed 31964843 (cited by Institute of Human Genetics, Univ. Regensburg, Univ. Regensburg).